The following is an entry in ClinVar:

NM_003873.7(NRP1):c.2530_2531del (p.Ser844fs)

Gene: NRP1 (neuropilin 1; minus strand). Cytogenetic location: 10p11.22.
Variant type: Microsatellite.
Coding change: c.2530_2531del on transcript NM_003873.7 (MANE Select); coding-DNA positions 2530 to 2531, 2 bases deleted (TC; older notation c.2530_2531delTC).
Protein change: p.Ser844fs; shifts the reading frame from serine 844.
Molecular consequence: frameshift variant. On other transcripts: non-coding transcript variant (1).
Genome position (GRCh38, 1-based): chr10:33,180,317-33,180,318, GA deleted on the plus strand (TC on the coding strand, the reverse complement: NRP1 is on the minus strand); deleting any 2 consecutive bases within chr10:33,180,317-33,180,320 gives the same sequence; the c. name uses the placement nearest the transcript's 3' end. VCF-style (leftmost placement, unchanged base first): chr10-33180316-GGA-G. GRCh37 (hg19) VCF-style: chr10-33469244-GGA-G.
Other names: c.2512_2513del, p.Ser838fs (NM_001244972.2); c.2509_2510del, p.Ser837fs (NM_001244973.2); c.2479_2480del, p.Ser827fs (NM_001330068.2); short protein forms S844fs, S827fs, S837fs, S838fs.
Identifiers: ClinVar variation 4987166 (VCV004987166.1).

ClinVar aggregate classification (germline): Uncertain significance (1 of 4 stars; one submission).

Conditions:
NRP1-related disorder. Also called: NRP1-related condition.

Submission:

PreventionGenetics, part of Exact Sciences
Classification: Uncertain significance for NRP1-related condition. Last evaluated: 2025-06-01. Review status: criteria provided, single submitter. Criteria: ACMG Guidelines, 2015. Collection method: clinical testing. Allele origin: germline.
Comment: The NRP1 c.2530_2531delTC variant is predicted to result in a frameshift and premature protein termination (p.Ser844Glnfs*42). To our knowledge, this variant has not been reported in the literature. This variant is reported in 0.0029% of alleles in individuals of Latino descent in gnomAD. At this time, the clinical significance of this variant is uncertain due to the absence of conclusive functional and genetic evidence.